The following is an entry in ClinVar:

ClinVar aggregate classification (germline): Uncertain significance (1 of 4 stars; one submission).

Conditions:
Spermatogenic failure 18. Identifiers: MedGen C4539783, MONDO:0054615, OMIM 617576.
Ciliary dyskinesia, primary, 37 (CILD37). Also called: CILIARY DYSKINESIA, PRIMARY, 37, WITH OR WITHOUT SITUS INVERSUS. Identifiers: MedGen C4539798, MONDO:0033204, OMIM 617577.

Allele frequency attached by ClinVar (database versions not stated): gnomAD exomes below 0.00001 and 0.00002; ExAC 0.00007; TOPMed 0.00007; gnomAD 0.00010 and 0.00011; 1000 Genomes Project 0.00020; 1000 Genomes Project 30x 0.00031.
gnomAD v4.1: 19 of 1,568,662 alleles (0.0012%); highest among the groups gnomAD compares: African/African-American, 0.024%; no homozygotes.

Submission:

Labcorp Genetics (formerly Invitae), Labcorp
Classification: Uncertain significance for Ciliary dyskinesia, primary, 37; Spermatogenic failure 18. Last evaluated: 2023-08-04. Review status: criteria provided, single submitter. Criteria: Invitae Variant Classification Sherloc (09022015). Collection method: clinical testing. Allele origin: germline.
Comment: This sequence change replaces lysine, which is basic and polar, with glutamine, which is neutral and polar, at codon 488 of the DNAH1 protein (p.Lys488Gln). In summary, the available evidence is currently insufficient to determine the role of this variant in disease. Therefore, it has been classified as a Variant of Uncertain Significance. Algorithms developed to predict the effect of missense changes on protein structure and function output the following: SIFT: "Not Available"; PolyPhen-2: "Benign"; Align-GVGD: "Not Available". The glutamine amino acid residue is found in multiple mammalian species, which suggests that this missense change does not adversely affect protein function. ClinVar contains an entry for this variant (Variation ID: 1374873). This variant has not been reported in the literature in individuals affected with DNAH1-related conditions. This variant is present in population databases (rs200741498, gnomAD 0.02%).

NM_015512.5(DNAH1):c.1462A>C (p.Lys488Gln)

Gene: DNAH1 (dynein axonemal heavy chain 1; plus strand). Cytogenetic location: 3p21.1.
Variant type: single nucleotide variant.
Coding change: c.1462A>C on transcript NM_015512.5 (MANE Select); coding-DNA position 1462, A replaced by C.
Protein change: p.Lys488Gln; replaces lysine 488 with glutamine.
Molecular consequence: missense variant.
Genome position (GRCh38, 1-based): chr3:52,345,512, A>C. VCF-style: chr3-52345512-A-C. GRCh37 (hg19) VCF-style: chr3-52379528-A-C.
Other names: short protein forms K488Q.
Identifiers: ClinVar variation 1374873 (VCV001374873.8), dbSNP rs200741498, ClinGen allele CA2432983.